The following is an entry in ClinVar:

ClinVar aggregate classification (germline): Uncertain significance (1 of 4 stars; one submission).

Conditions:
Congenital myasthenic syndrome 8. Also called: MYASTHENIC SYNDROME, CONGENITAL, DUE TO AGRIN DEFICIENCY; Myasthenic syndrome, congenital, 8, with pre- and postsynaptic defects. Identifiers: Orphanet 590, MedGen C3808739, MONDO:0014052, OMIM 615120.

Submission:

Kariminejad - Najmabadi Pathology & Genetics Center
Classification: Uncertain significance for Congenital myasthenic syndrome 8. Last evaluated: 2024-04-15. Review status: criteria provided, single submitter. Criteria: ACMG Guidelines, 2015. Collection method: clinical testing. Allele origin: germline. Inheritance: Autosomal recessive inheritance. Affected: yes.
Comment: PM2,PM4

NM_198576.4(AGRN):c.4584_4586del (p.Gln1528_Arg1529delinsHis)

Gene: AGRN (agrin; plus strand). Cytogenetic location: 1p36.33.
Variant type: Deletion.
Coding change: c.4584_4586del on transcript NM_198576.4 (MANE Select); coding-DNA positions 4584 to 4586, 3 bases deleted (GCG; older notation c.4584_4586delGCG).
Protein change: p.Gln1528_Arg1529delinsHis.
Molecular consequence: inframe indel.
Genome position (GRCh38, 1-based): chr1:1,049,635-1,049,637, GCG deleted. VCF-style (leftmost placement, unchanged base first): chr1-1049634-AGCG-A. GRCh37 (hg19) VCF-style: chr1-985014-AGCG-A.
Other names: c.4584_4586del, p.Gln1528_Arg1529delinsHis (NM_001305275.2); c.4269_4271del, p.Gln1423_Arg1424delinsHis (NM_001364727.2); c.4584_4586delGCG (NM_198576.4).
Identifiers: ClinVar variation 3896774 (VCV003896774.1).